The following is an entry in ClinVar:

ClinVar aggregate classification (germline): Uncertain significance. Review status: criteria provided, multiple submitters, no conflicts (2 of 4 stars). 2 submissions from 2 submitters: Uncertain significance (2). Last evaluated 2025-12-04.

Conditions:
Intellectual disability, X-linked 49 (MRXSRC). Also called: MRX49; CLCN4-Related Neurodevelopmental Disorder; MENTAL RETARDATION, X-LINKED 15; CLCN4-related X-linked intellectual disability syndrome; RAYNAUD-CLAES SYNDROME. Identifiers: Orphanet 485350, Orphanet 777, MedGen C0796221, MONDO:0010250, OMIM 300114.

Submissions (2):

Labcorp Genetics (formerly Invitae), Labcorp
Classification: Uncertain significance. Last evaluated: 2025-12-04. Review status: criteria provided, single submitter. Criteria: Invitae Variant Classification Sherloc (09022015). Collection method: clinical testing. Allele origin: germline.
Comment: This sequence change replaces lysine, which is basic and polar, with arginine, which is basic and polar, at codon 62 of the CLCN4 protein (p.Lys62Arg). This variant is not present in population databases (gnomAD no frequency). This missense change has been observed in individual(s) with clinical features of CLCN4-related conditions (PMID: 36385166). It has also been observed to segregate with disease in related individuals. ClinVar contains an entry for this variant (Variation ID: 1691393). Invitae Evidence Modeling of protein sequence and biophysical properties (such as structural, functional, and spatial information, amino acid conservation, physicochemical variation, residue mobility, and thermodynamic stability) indicates that this missense variant is not expected to disrupt CLCN4 protein function with a negative predictive value of 95%. Experimental studies have shown that this missense change affects CLCN4 function (PMID: 36385166). In summary, the available evidence is currently insufficient to determine the role of this variant in disease. Therefore, it has been classified as a Variant of Uncertain Significance.

Gene2Care/ Palmer Lab, University of New South Wales
Classification: Uncertain significance for Intellectual disability, X-linked 49. Last evaluated: 2022-05-27. Review status: criteria provided, single submitter. Criteria: ACMG Guidelines, 2015. Collection method: clinical testing. Allele origin: germline. Affected: yes.

Literature cited by the submitters: PubMed 36385166 (cited by Labcorp Genetics (formerly Invitae), Labcorp).

NM_001830.4(CLCN4):c.185A>G (p.Lys62Arg)

Gene: CLCN4 (Cl-/H+ antiporter 4; plus strand). Cytogenetic location: Xp22.2.
Variant type: single nucleotide variant.
Coding change: c.185A>G on transcript NM_001830.4 (MANE Select); coding-DNA position 185, A replaced by G.
Protein change: p.Lys62Arg; replaces lysine 62 with arginine.
Molecular consequence: missense variant. On other transcripts: intron variant (1).
Genome position (GRCh38, 1-based): chrX:10,187,555, A>G. VCF-style: chrX-10187555-A-G. GRCh37 (hg19) VCF-style: chrX-10155595-A-G.
Other names: c.-38-7356A>G (NM_001256944.2); short protein forms K62R.
Identifiers: ClinVar variation 1691393 (VCV001691393.4), dbSNP rs2518873600, ClinGen allele CA412032733.